The following is an entry in ClinVar:

NM_006218.4(PIK3CA):c.1830G>A (p.Met610Ile)

Gene: PIK3CA (phosphatidylinositol-4,5-bisphosphate 3-kinase catalytic subunit alpha; plus strand). Cytogenetic location: 3q26.32.
Variant type: single nucleotide variant.
Coding change: c.1830G>A on transcript NM_006218.4 (MANE Select); coding-DNA position 1830, G replaced by A.
Protein change: p.Met610Ile; replaces methionine 610 with isoleucine.
Molecular consequence: missense variant.
Genome position (GRCh38, 1-based): chr3:179,219,654, G>A. VCF-style: chr3-179219654-G-A. GRCh37 (hg19) VCF-style: chr3-178937442-G-A.
Other names: short protein forms M610I.
Identifiers: ClinVar variation 3418523 (VCV003418523.1).

ClinVar aggregate classification (germline): Uncertain significance (1 of 4 stars; one submission).

Conditions:
Inborn genetic diseases. Identifiers: MedGen C0950123, MeSH D030342.

gnomAD v4.1: 1 of 1,611,362 alleles (0.000062%); highest among the groups gnomAD compares: Middle Eastern, 0.017%; no homozygotes.

Submission:

Ambry Genetics
Classification: Uncertain significance for Inborn genetic diseases. Last evaluated: 2024-08-21. Review status: criteria provided, single submitter. Criteria: Ambry Variant Classification Scheme 2023. Collection method: clinical testing. Allele origin: germline.
Comment: The p.M610I variant (also known as c.1830G>A), located in coding exon 11 of the PIK3CA gene, results from a G to A substitution at nucleotide position 1830. The methionine at codon 610 is replaced by isoleucine, an amino acid with highly similar properties. This amino acid position is conserved. In addition, this alteration is predicted to be tolerated by in silico analysis. Based on the available evidence, the clinical significance of this variant remains unclear.